The following is an entry in ClinVar:

NM_000088.4(COL1A1):c.2830-4_2847del

Gene: COL1A1 (collagen type I alpha 1 chain; minus strand). Cytogenetic location: 17q21.33.
Variant type: Deletion.
Coding change: c.2830-4_2847del on transcript NM_000088.4 (MANE Select); 4 bases into the intron before coding-DNA position 2830 through coding-DNA position 2847, 22 bases deleted (AAAGGGTGCTCCTGGTACTCCC).
Molecular consequence: splice acceptor variant.
Genome position (GRCh38, 1-based): chr17:50,189,258-50,189,279, GGGAGTACCAGGAGCACCCTTT deleted on the plus strand (AAAGGGTGCTCCTGGTACTCCC on the coding strand, the reverse complement: COL1A1 is on the minus strand); deleting any 22 consecutive bases within chr17:50,189,258-50,189,284 gives the same sequence; the c. name uses the placement nearest the transcript's 3' end. VCF-style (leftmost placement, unchanged base first): chr17-50189257-CGGGAGTACCAGGAGCACCCTTT-C. GRCh37 (hg19) VCF-style: chr17-48266618-CGGGAGTACCAGGAGCACCCTTT-C.
Identifiers: ClinVar variation 4075329 (VCV004075329.1).
Genomic context (GRCh38, chr17:50,189,257, plus strand): 5'-TCTCTCCTCTCTGACCAGGCAGGCCGACCACACCACGCTGTCCAGCAATACCTTGAGGCC[CGGGAGTACCAGGAGCACCCTTT>C]GGGAGGCAAACAGGGGTGAGGTGCCAGAGAGCAGCACAGGGACCCCTCCCCAGCTCTGCA-3'

ClinVar aggregate classification (germline): Pathogenic (1 of 4 stars; one submission).

Conditions:
Osteogenesis imperfecta type I (OI1). Also called: Classic Non-deforming Osteogenesis Imperfecta with Blue Sclerae; Lobstein disease; OI, TYPE I; OSTEOGENESIS IMPERFECTA TARDA; OSTEOGENESIS IMPERFECTA WITH BLUE SCLERAE; Osteogenesis imperfecta type 1. Identifiers: Orphanet 216796, Orphanet 666, MedGen C0023931, MONDO:0008146, OMIM 166200. Disease mechanism: loss of function.

Submission:

Clinical Biomedical Laboratory, Shriners Hospital For Children - Canada
Classification: Pathogenic for Osteogenesis imperfecta type I. Last evaluated: 2025-07-16. Review status: criteria provided, single submitter. Criteria: ACMG Guidelines, 2015. Collection method: clinical testing. Allele origin: germline. Affected: yes.
Comment: This variant is predicted to disrupt splicing. This variant is absent from the Genome Aggregation Database (v2.1.1). SpliceAI strongly indicates that this variant disrupts splicing (SpliceAI delta score for acceptor loss: 0.98). Based on the ACMG variant interpretation guidelines, the available evidence supports classification of this variant as likely pathogenic.